The following is an entry in ClinVar:

NM_000059.4(BRCA2):c.7732G>A (p.Gly2578Arg)

Gene: BRCA2 (BRCA2 DNA repair associated; plus strand). Cytogenetic location: 13q13.1.
Variant type: single nucleotide variant.
Coding change: c.7732G>A on transcript NM_000059.4 (MANE Select); coding-DNA position 7732, G replaced by A.
Protein change: p.Gly2578Arg; replaces glycine 2578 with arginine.
Molecular consequence: missense variant. On other transcripts: non-coding transcript variant (1).
Genome position (GRCh38, 1-based): chr13:32,357,856, G>A. VCF-style: chr13-32357856-G-A. GRCh37 (hg19) VCF-style: chr13-32931993-G-A.
Other names: c.7636G>A, p.Gly2546Arg (NM_001406719.1); c.7732G>A, p.Gly2578Arg (NM_001406720.1, NM_001432077.1); c.2800G>A, p.Gly934Arg (NM_001406721.1); c.1315G>A, p.Gly439Arg (NM_001406722.1); short protein forms G2578R, G934R, G439R, G2546R.
Identifiers: ClinVar variation 4700951 (VCV004700951.2).

ClinVar aggregate classification (germline): Uncertain significance. Review status: criteria provided, multiple submitters, no conflicts (2 of 4 stars). 2 submissions from 2 submitters: Uncertain significance (2). Last evaluated 2026-02-18.

Conditions:
Hereditary breast ovarian cancer syndrome. Also called: Hereditary breast and ovarian cancer syndrome; Hereditary breast and ovarian cancer; Hereditary breast and ovarian cancer syndrome (HBOC); Breast and ovarian cancer; Hereditary breast and/or ovarian cancer syndrome; BRCA1- and BRCA2-Associated Hereditary Breast and Ovarian Cancer. Identifiers: Orphanet 145, MedGen C0677776, MeSH D061325, MONDO:0003582. Disease mechanism: loss of function.
Hereditary cancer-predisposing syndrome. Also called: Neoplastic Syndromes, Hereditary; Tumor predisposition; Hereditary Cancer Syndrome; Hereditary neoplastic syndrome. Identifiers: Orphanet 140162, MedGen C0027672, MeSH D009386, MONDO:0015356.

Submissions (2):

Ambry Genetics
Classification: Uncertain significance for Hereditary cancer-predisposing syndrome. Last evaluated: 2026-02-18. Review status: criteria provided, single submitter. Criteria: Ambry Variant Classification Scheme 2023. Collection method: clinical testing. Allele origin: germline.
Comment: The p.G2578R variant (also known as c.7732G>A), located in coding exon 15 of the BRCA2 gene, results from a G to A substitution at nucleotide position 7732. The glycine at codon 2578 is replaced by arginine, an amino acid with dissimilar properties. Two saturation genome editing-based studies, including a haploid cell-survival assay and a humanized mouse embryonic stem cell line assay of drug response and survival, demonstrate that this nucleotide substitution is functional(Huang H et al. Nature. 2025 Feb;638(8050):528-537; Sahu S et al. Nature. 2025 Feb;638(8050):538-545). This amino acid position is highly conserved in available vertebrate species. In addition, this alteration is predicted to be deleterious by in silico analysis. Based on the available evidence, the clinical significance of this variant remains unclear.

Labcorp Genetics (formerly Invitae), Labcorp
Classification: Uncertain significance for Hereditary breast ovarian cancer syndrome. Last evaluated: 2025-12-05. Review status: criteria provided, single submitter. Criteria: Invitae Variant Classification Sherloc (09022015). Collection method: clinical testing. Allele origin: germline.
Comment: This sequence change replaces glycine, which is neutral and non-polar, with arginine, which is basic and polar, at codon 2578 of the BRCA2 protein (p.Gly2578Arg). This variant is not present in population databases (gnomAD no frequency). This variant has not been reported in the literature in individuals affected with BRCA2-related conditions. Invitae Evidence Modeling of protein sequence and biophysical properties (such as structural, functional, and spatial information, amino acid conservation, physicochemical variation, residue mobility, and thermodynamic stability) has been performed for this missense variant. However, the output from this modeling did not meet the statistical confidence thresholds required to predict the impact of this variant on BRCA2 protein function. In summary, the available evidence is currently insufficient to determine the role of this variant in disease. Therefore, it has been classified as a Variant of Uncertain Significance.

Literature cited by the submitters: PubMed 39779848 (cited by Ambry Genetics); PubMed 39779857 (cited by Ambry Genetics).